The following is an entry in ClinVar:

NM_003442.6(ZNF143):c.1412C>G (p.Thr471Arg)

Gene: ZNF143 (zinc finger protein 143; plus strand). Cytogenetic location: 11p15.4.
Variant type: single nucleotide variant.
Coding change: c.1412C>G on transcript NM_003442.6 (MANE Select); coding-DNA position 1412, C replaced by G.
Protein change: p.Thr471Arg; replaces threonine 471 with arginine.
Molecular consequence: missense variant.
Genome position (GRCh38, 1-based): chr11:9,512,484, C>G. VCF-style: chr11-9512484-C-G. GRCh37 (hg19) VCF-style: chr11-9534031-C-G.
Other names: c.1409C>G, p.Thr470Arg (NM_001282656.2); c.1319C>G, p.Thr440Arg (NM_001282657.2); short protein forms T471R, T470R, T440R.
Identifiers: ClinVar variation 3655869 (VCV003655869.2).
Genomic context (GRCh38, chr11:9,512,484, plus strand): 5'-AAATGATTCATTTGTTTTAAACAGGTCAAGGTGAAGATGTTCTTAAAGGGTCCCAGATTA[C>G]GTATGTTACAGGTGTAGAAGGGGACGACGTTGTTTCTACACAAGTAGCCACAGTAACCCA-3'
Protein context (NP_003433.3, residues 461-481): GEDVLKGSQI[Thr471Arg]YVTGVEGDDV

ClinVar aggregate classification (germline): Uncertain significance (1 of 4 stars; one submission).

Submission:

Labcorp Genetics (formerly Invitae), Labcorp
Classification: Uncertain significance. Last evaluated: 2024-06-17. Review status: criteria provided, single submitter. Criteria: Invitae Variant Classification Sherloc (09022015). Collection method: clinical testing. Allele origin: germline.
Comment: This sequence change replaces threonine, which is neutral and polar, with arginine, which is basic and polar, at codon 471 of the ZNF143 protein (p.Thr471Arg). This variant is not present in population databases (gnomAD no frequency). This variant has not been reported in the literature in individuals affected with ZNF143-related conditions. An algorithm developed to predict the effect of missense changes on protein structure and function (PolyPhen-2) suggests that this variant is likely to be tolerated. In summary, the available evidence is currently insufficient to determine the role of this variant in disease. Therefore, it has been classified as a Variant of Uncertain Significance.